The following is an entry in ClinVar:

ClinVar aggregate classification (germline): Uncertain significance (1 of 4 stars; one submission).

Conditions:
Hereditary cancer-predisposing syndrome. Also called: Neoplastic Syndromes, Hereditary; Tumor predisposition; Hereditary neoplastic syndrome; Hereditary Cancer Syndrome. Identifiers: Orphanet 140162, MedGen C0027672, MeSH D009386, MONDO:0015356.

Submission:

Ambry Genetics
Classification: Uncertain significance for Hereditary cancer-predisposing syndrome. Last evaluated: 2023-11-04. Review status: criteria provided, single submitter. Criteria: Ambry Variant Classification Scheme 2023. Collection method: clinical testing. Allele origin: germline.
Comment: The p.P47H variant (also known as c.140C>A), located in coding exon 2 of the BRIP1 gene, results from a C to A substitution at nucleotide position 140. The proline at codon 47 is replaced by histidine, an amino acid with similar properties. This amino acid position is conserved. In addition, this alteration is predicted to be deleterious by in silico analysis. Since supporting evidence is limited at this time, the clinical significance of this alteration remains unclear.

NM_032043.3(BRIP1):c.140C>A (p.Pro47His)

Gene: BRIP1 (BRCA1 interacting DNA helicase 1; minus strand). Cytogenetic location: 17q23.2.
Variant type: single nucleotide variant.
Coding change: c.140C>A on transcript NM_032043.3 (MANE Select); coding-DNA position 140, C replaced by A.
Protein change: p.Pro47His; replaces proline 47 with histidine.
Molecular consequence: missense variant.
Genome position (GRCh38, 1-based): chr17:61,859,861, G>T on the plus strand (C>A on the coding strand, the complement: BRIP1 is on the minus strand). VCF-style: chr17-61859861-G-T. GRCh37 (hg19) VCF-style: chr17-59937222-G-T.
Other names: short protein forms P47H.
Identifiers: ClinVar variation 3228087 (VCV003228087.1), dbSNP rs2145851661, ClinGen allele CA400485783.